The following is an entry in ClinVar:

NM_139319.3(SLC17A8):c.323C>T (p.Thr108Ile)

Gene: SLC17A8 (solute carrier family 17 member 8; plus strand). Cytogenetic location: 12q23.1.
Variant type: single nucleotide variant.
Coding change: c.323C>T on transcript NM_139319.3 (MANE Select); coding-DNA position 323, C replaced by T.
Protein change: p.Thr108Ile; replaces threonine 108 with isoleucine.
Molecular consequence: missense variant.
Genome position (GRCh38, 1-based): chr12:100,380,922, C>T. VCF-style: chr12-100380922-C-T. GRCh37 (hg19) VCF-style: chr12-100774700-C-T.
Other names: c.323C>T, p.Thr108Ile (NM_001145288.2); short protein forms T108I.
Identifiers: ClinVar variation 4527482 (VCV004527482.1).
Genomic context (GRCh38, chr12:100,380,922, plus strand): 5'-TTTCCTTTGGGATCCGGTGCAATCTTGGAGTTGCCATTGTGGAAATGGTCAACAATAGCA[C>T]CGTATATGTTGATGGAAAACCGGAAATTCAGGTTGGTATCAGTCCATGGTGGAAGACTTT-3'
Protein context (NP_647480.1, residues 98-118): VAIVEMVNNS[Thr108Ile]VYVDGKPEIQ

ClinVar aggregate classification (germline): Uncertain significance (1 of 4 stars; one submission).

Submission:

GeneDx
Classification: Uncertain significance. Last evaluated: 2025-05-06. Review status: criteria provided, single submitter. Criteria: GeneDx Variant Classification Process June 2021. Collection method: clinical testing. Allele origin: germline. Affected: yes.
Comment: Not observed at significant frequency in large population cohorts (gnomAD); In silico analysis supports that this missense variant has a deleterious effect on protein structure/function; Has not been previously published as pathogenic or benign to our knowledge